The following is an entry in ClinVar:

ClinVar aggregate classification (germline): Uncertain significance (1 of 4 stars; one submission).

Conditions:
ENHANCED S-CONE SYNDROME 1 (ESCS1). Also called: RETINOSCHISIS WITH EARLY HEMERALOPIA; FAVRE HYALOIDEORETINAL DEGENERATION. Identifiers: MedGen CN380299, OMIM 268100.

gnomAD v4.1: 5 of 1,613,796 alleles (0.00031%); highest among the groups gnomAD compares: Non-Finnish European, 0.00042%; no homozygotes.

Submission:

Myriad Genetics, Inc.
Classification: Uncertain significance for ENHANCED S-CONE SYNDROME 1. Last evaluated: 2025-08-19. Review status: criteria provided, single submitter. Criteria: Myriad Autosomal Dominant, Autosomal Recessive and X-Linked Classification Criteria (2023). Collection method: clinical testing. Allele origin: unknown.
Comment: NM_014249.2(NR2E3):c.901C>T(R301C) is a missense variant classified as a variant of uncertain significance in the context of enhanced S-cone syndrome. R301C has not been observed in cases with relevant disease. Relevant functional assessments of this variant are not available in the literature. R301C has been observed in referenced population frequency databases. In summary, there is insufficient evidence to classify NM_014249.2(NR2E3):c.901C>T(R301C) as pathogenic or benign. Please note: this variant was assessed in the context of healthy population screening.

NM_014249.4(NR2E3):c.901C>T (p.Arg301Cys)

Gene: NR2E3 (nuclear receptor subfamily 2 group E member 3; plus strand). Cytogenetic location: 15q23.
Variant type: single nucleotide variant.
Coding change: c.901C>T on transcript NM_014249.4 (MANE Select); coding-DNA position 901, C replaced by T.
Protein change: p.Arg301Cys; replaces arginine 301 with cysteine.
Molecular consequence: missense variant.
Genome position (GRCh38, 1-based): chr15:71,813,542, C>T. VCF-style: chr15-71813542-C-T. GRCh37 (hg19) VCF-style: chr15-72105882-C-T.
Other names: c.901C>T, p.Arg301Cys (NM_016346.4); short protein forms R301C.
Identifiers: ClinVar variation 5003375 (VCV005003375.1).